The following is an entry in ClinVar:

ClinVar aggregate classification (germline): Benign (1 of 4 stars; one submission).

Conditions:
Erythrocytosis, familial, 3 (ECYT3). Identifiers: Orphanet 247511, MedGen C1853286, MONDO:0012353, OMIM 609820.

Allele frequency attached by ClinVar (database versions not stated): 1000 Genomes Project 30x 0.01827; gnomAD 0.01213 and 0.01283; TOPMed 0.01358; 1000 Genomes Project 0.01757.

Submission:

Illumina Laboratory Services, Illumina
Classification: Benign for Erythrocytosis, familial, 3. Last evaluated: 2018-01-12. Review status: criteria provided, single submitter. Criteria: ICSL Variant Classification Criteria 13 December 2019. Collection method: clinical testing. Allele origin: germline.
Comment: This variant was observed in the ICSL laboratory as part of a predisposition screen in an ostensibly healthy population. It had not been previously curated by ICSL or reported in the Human Gene Mutation Database (HGMD: prior to June 1st, 2018), and was therefore a candidate for classification through an automated scoring system. Utilizing variant allele frequency, disease prevalence and penetrance estimates, and inheritance mode, an automated score was calculated to assess if this variant is too frequent to cause the disease. Based on the score and internal cut-off values, a variant classified as benign is not then subjected to further curation. The score for this variant resulted in a classification of benign for this disease.

NM_022051.2(EGLN1):c.-619C>G

Gene: EGLN1 (egl-9 family hypoxia inducible factor 1; minus strand). Cytogenetic location: 1q42.2.
Variant type: single nucleotide variant.
Coding change: c.-619C>G on transcript NM_022051.2; 619 bases upstream of the start codon, C replaced by G.
Genome position (GRCh38, 1-based): chr1:231,422,507, G>C on the plus strand (C>G on the coding strand, the complement: EGLN1 is on the minus strand). VCF-style: chr1-231422507-G-C. GRCh37 (hg19) VCF-style: chr1-231558253-G-C.
Identifiers: ClinVar variation 296211 (VCV000296211.7), dbSNP rs114235192, ClinGen allele CA10610338.